The following is an entry in ClinVar:

ClinVar aggregate classification (germline): Pathogenic/Likely pathogenic. Review status: criteria provided, multiple submitters, no conflicts (2 of 4 stars). 30 submissions from 29 submitters: Pathogenic (22); Likely pathogenic (1). 7 of the submissions do not count toward it. Last evaluated 2026-09-13.

Conditions:
CYP27A1-related disorder. Also called: CYP27A1-related condition.
Cardiovascular phenotype. Identifiers: MedGen CN230736.
Cholestanol storage disease (CTX). Also called: CEREBRAL CHOLESTERINOSIS; Cerebrotendinous Xanthomatosis; CTX: Cerebrotendinous xanthomatosis. Identifiers: Orphanet 909, MedGen C0238052, MONDO:0008948, OMIM 213700.
Intellectual disability. Also called: Intellectual functioning disability; intellectual disabilities; Intellectual developmental disorder. Identifiers: MedGen C3714756, MeSH D008607, MONDO:0001071, HP:0001249.

Allele frequency attached by ClinVar (database versions not stated): TOPMed 0.00025; gnomAD 0.00031 and 0.00029.
gnomAD v4.1: 684 of 1,614,044 alleles (0.042%); highest among the groups gnomAD compares: Non-Finnish European, 0.052%; no homozygotes.

Submissions 1 to 7 of 30:

PreventionGenetics, part of Exact Sciences
Classification: Pathogenic for CYP27A1-related condition. Last evaluated: 2026-09-13. Review status: criteria provided, single submitter. Criteria: ACMG Guidelines, 2015. Collection method: clinical testing. Allele origin: germline.
Comment: The CYP27A1 c.1183C>T variant is predicted to result in the amino acid substitution p.Arg395Cys. This variant, alternatively referred to as p.Arg362Ser using legacy nomenclature, is located within the cytochrome P-450 domain of the protein and has been reported in the homozygous state or with a second causative CYP27A1 variant in multiple unrelated individuals with a diagnosis or clinical suspicion of cerebrotendinous xanthomatosis (CTX) (see, for example, Smalley et al. 2015. PubMed ID: 25983621; Huidekoper et al. 2016. PubMed ID: 26156051; Stelten et al. 2017. PubMed ID: 28894950; Contreras et al. 2019. PubMed ID: 31859899; Khan et al. 2022. PubMed ID: 36002593). This variant has also been reported in the heterozygous state in an individual with CYP27A1-associated osteoporosis (Gimeno et al. 2024. PubMed ID: 39333051). An in vitro functional study demonstrates reduced enzyme activity, without significantly altering protein expression, and reversion to wild-type restored normal enzyme activity (Cali et al. 1991. PubMed ID: 2019602). This variant is reported in 0.051% of alleles in individuals of Latino descent in gnomAD and is interpreted as likely pathogenic/pathogenic in ClinVar (Variation ID: 4255). Alternate missense changes at this same amino acid position (p.Arg362Ser, p.Arg395His) have been reported in the homozygous state in individuals with CTX (Chen et al. 1998. PubMed ID: 9790667; Chen et al. 1996. PubMed ID: 8950197). This variant is interpreted as pathogenic.

CeGaT Center for Human Genetics Tuebingen
Classification: Pathogenic. Last evaluated: 2026-09-01. Review status: criteria provided, single submitter. Criteria: CeGaT Center For Human Genetics Tuebingen Variant Classification Criteria Version 2. Collection method: clinical testing. Allele origin: germline. Affected: yes. Observed: 3 variant alleles.
Comment: CYP27A1: PM3:Very Strong, PM2, PM5, PS3:Supporting

Dasa
Classification: Pathogenic. Last evaluated: 2026-03-31. Review status: criteria provided, single submitter. Criteria: DASA Assertion Criteria. Collection method: clinical testing. Allele origin: germline.
Comment: NM_000784.4(CYP27A1):c.1183C>T (p.Arg395Cys) is a missense variant that results in the substitution of arginine with cysteine. The affected residue or protein region has prior evidence supporting clinical relevance. Segregation data support an association with disease in the reported family/families (PMID: 27084087). This variant has been recurrently observed in individuals with CYP27A1-related disorders (PMID: 27084087; PMID: 34234304; PMID: 31859899). Functional evidence supports an impact on the gene or gene product (PMID: 27084087; PMID: 34234304; PMID: 31859899; PMID: 38249444; PMID: 2019602). Also, this variant is rare in population databases. Computational evidence supports a deleterious effect. Based on the currently available evidence, this variant is classified as pathogenic.

Ambry Genetics
Classification: Pathogenic for Cardiovascular phenotype. Last evaluated: 2026-03-04. Review status: criteria provided, single submitter. Criteria: Ambry Variant Classification Scheme 2023. Collection method: clinical testing. Allele origin: germline.
Comment: The c.1183C>T (p.R395C) alteration is located in exon 6 (coding exon 6) of the CYP27A1 gene. This alteration results from a C to T substitution at nucleotide position 1183, causing the arginine (R) at amino acid position 395 to be replaced by a cysteine (C). Based on data from gnomAD, this allele has an overall frequency of 0.028% (80/282634) total alleles studied. The highest observed frequency was 0.051% (18/35436) of Latino alleles. This variant has been identified in the homozygous state and/or in conjunction with other CYP27A1 variant(s) in individual(s) with features consistent with cerebrotendinous xanthomatosis; in at least one instance, the variants were identified in trans (Cali, 1991; Verrips, 2000; Castelnovo, 2003; Lorincz, 2005; Smalley, 2015; Huidekoper, 2016; Stelten, 2018; Contreras, 2019; Atallah, 2021; Guenzel, 2021; Guay, 2024). This amino acid position is highly conserved in available vertebrate species. In an assay testing CYP27A1 function, this variant showed a functionally abnormal result (Cali, 1991). Based on the available evidence, this alteration is classified as pathogenic.

Labcorp Genetics (formerly Invitae), Labcorp
Classification: Pathogenic for Cholestanol storage disease. Last evaluated: 2026-01-19. Review status: criteria provided, single submitter. Criteria: Invitae Variant Classification Sherloc (09022015). Collection method: clinical testing. Allele origin: germline.
Comment: This sequence change replaces arginine, which is basic and polar, with cysteine, which is neutral and slightly polar, at codon 395 of the CYP27A1 protein (p.Arg395Cys). This variant is present in population databases (rs121908096, gnomAD 0.05%). This missense change has been observed in individuals with cerebrotendinous xanthomatosis (PMID: 2019602, 10775536, 18227423, 20402754, 21645175, 21955034, 24746394, 26156051, 26906304). This variant is also known as p.Arg362Cys. ClinVar contains an entry for this variant (Variation ID: 4255). Invitae Evidence Modeling of protein sequence and biophysical properties (such as structural, functional, and spatial information, amino acid conservation, physicochemical variation, residue mobility, and thermodynamic stability) indicates that this missense variant is expected to disrupt CYP27A1 protein function with a positive predictive value of 95%. Experimental studies have shown that this missense change affects CYP27A1 function (PMID: 2019602). Algorithms developed to predict the effect of sequence changes on RNA splicing suggest that this variant may disrupt the consensus splice site. This variant disrupts the p.Arg395 amino acid residue in CYP27A1. Other variant(s) that disrupt this residue have been determined to be pathogenic (PMID: 8950197, 9790667). This suggests that this residue is clinically significant, and that variants that disrupt this residue are likely to be disease-causing. For these reasons, this variant has been classified as Pathogenic.

3billion
Classification: Pathogenic for Cholestanol storage disease. Last evaluated: 2025-11-24. Review status: criteria provided, single submitter. Criteria: ACMG Guidelines, 2015. Collection method: clinical testing. Allele origin: germline. Affected: yes.
Comment: The variant is observed at an extremely low frequency in the gnomAD v4.1.0 dataset (total allele frequency: 0.042%). Predicted Consequence/Location: Missense variant In silico tool predictions suggest damaging effect of the variant on gene or gene product [REVEL: 0.91 (>=0.6, sensitivity 0.68 and specificity 0.92)]. The same nucleotide change resulting in the same amino acid change has been previously reported as pathogenic/likely pathogenic with strong evidence (ClinVar ID: VCV000004255 /PMID: 2019602). The variant has been reported to be in trans with a pathogenic variant as either compound heterozygous or homozygous in at least one similarly affected unrelated individual (PMID: 26156051). Different missense changes at the same codon (p.Arg395His, p.Arg395Leu, p.Arg395Ser) have been reported as pathogenic/likely pathogenic with strong evidence (ClinVar ID: VCV000004261, VCV000065834 /PMID: 11181744, 8950197, 9790667). Therefore, this variant is classified as Pathogenic according to the recommendation of ACMG/AMP guideline.

Natera, Inc.
Classification: Pathogenic for Cerebrotendinous xanthomatosis. Last evaluated: 2025-10-13. Review status: criteria provided, single submitter. Criteria: Natera Variant Classification Schema (03/2026). Collection method: clinical testing. Allele origin: germline.
Comment: The c.1183C>T variant in CYP27A1 is a missense variant predicted to cause substitution of arginine to cysteine at amino acid 395. This variant is rare in the general population with a frequency below the threshold expected for the associated phenotype(s). This variant has been observed in one or more individuals affected with the associated recessive disease, as either homozygous or compound heterozygous with a second variant (PMID: 21404287). Given the available evidence, this variant is classified as Pathogenic.

NM_000784.4(CYP27A1):c.1183C>T (p.Arg395Cys)

Gene: CYP27A1 (cytochrome P450 family 27 subfamily A member 1; plus strand). Cytogenetic location: 2q35.
Variant type: single nucleotide variant.
Coding change: c.1183C>T on transcript NM_000784.4 (MANE Select); coding-DNA position 1183, C replaced by T.
Protein change: p.Arg395Cys; replaces arginine 395 with cysteine.
Molecular consequence: missense variant.
Genome position (GRCh38, 1-based): chr2:218,814,186, C>T. VCF-style: chr2-218814186-C-T. GRCh37 (hg19) VCF-style: chr2-219678909-C-T.
Other names: R362C; c.1183C>T; short protein forms R395C.
Identifiers: ClinVar variation 4255 (VCV000004255.62), dbSNP rs121908096, ClinGen allele CA340211.
Genomic context (GRCh38, chr2:218,814,186, plus strand): 5'-CCCCAGCACAAGGACTTTGCCCACATGCCGTTGCTCAAAGCTGTGCTTAAGGAGACTCTG[C>T]GGTAGGACAGAATGCTGTTCTGGGGGGCACAGGATCTCTTTGTGGGGAGGGAATCAGAGG-3'
Protein context (NP_000775.1, residues 385-405): LLKAVLKETL[Arg395Cys]LYPVVPTNSR